The following is an entry in ClinVar:

NM_005222.4(DLX6):c.92_93insACAGCAGCAGCA (p.Gln44_Pro45insGlnGlnGlnGln)

Genes: DLX6 (distal-less homeobox 6; plus strand), DLX6-AS1 (DLX6 antisense RNA 1; minus strand). Cytogenetic location: 7q21.3.
Variant type: Microsatellite.
Coding change: c.92_93insACAGCAGCAGCA on transcript NM_005222.4 (MANE Select); coding-DNA positions 92 to 93, ACAGCAGCAGCA inserted.
Protein change: p.Gln44_Pro45insGlnGlnGlnGln.
Genome position: GRCh38 VCF-style: chr7-97006058-G-GCAGCAGCAGCAA. GRCh37 (hg19) VCF-style: chr7-96635370-G-GCAGCAGCAGCAA.
Identifiers: ClinVar variation 3637155 (VCV003637155.2).

ClinVar aggregate classification (germline): Uncertain significance (1 of 4 stars; one submission).

Submission:

Labcorp Genetics (formerly Invitae), Labcorp
Classification: Uncertain significance. Last evaluated: 2024-07-22. Review status: criteria provided, single submitter. Criteria: Invitae Variant Classification Sherloc (09022015). Collection method: clinical testing. Allele origin: germline.
Comment: This variant, c.92_93insACAGCAGCAGCA, results in the insertion of 4 amino acid(s) of the DLX6 protein (p.Gln41_Gln44dup), but otherwise preserves the integrity of the reading frame. The frequency data for this variant in the population databases is considered unreliable, as metrics indicate poor data quality at this position in the gnomAD database. This variant has not been reported in the literature in individuals affected with DLX6-related conditions. Experimental studies and prediction algorithms are not available or were not evaluated, and the functional significance of this variant is currently unknown. In summary, the available evidence is currently insufficient to determine the role of this variant in disease. Therefore, it has been classified as a Variant of Uncertain Significance.